The following is an entry in ClinVar:

NM_001352754.2(ARMC9):c.1369C>G (p.Leu457Val)

Gene: ARMC9 (armadillo repeat containing 9; plus strand). Cytogenetic location: 2q37.1.
Variant type: single nucleotide variant.
Coding change: c.1369C>G on transcript NM_001352754.2 (MANE Select); coding-DNA position 1369, C replaced by G.
Protein change: p.Leu457Val; replaces leucine 457 with valine.
Molecular consequence: missense variant. On other transcripts: non-coding transcript variant (1).
Genome position (GRCh38, 1-based): chr2:231,276,670, C>G. VCF-style: chr2-231276670-C-G. GRCh37 (hg19) VCF-style: chr2-232141383-C-G.
Other names: c.1369C>G, p.Leu457Val (NM_001271466.4, NM_001291656.2, NM_001352755.2 and 3 more transcripts); c.1270C>G, p.Leu424Val (NM_001352757.2, NM_001352758.2); short protein forms L424V, L457V.
Identifiers: ClinVar variation 936422 (VCV000936422.9), dbSNP rs773678881, ClinGen allele CA350955414.

ClinVar aggregate classification (germline): Uncertain significance (1 of 4 stars; one submission).

Submission:

Labcorp Genetics (formerly Invitae), Labcorp
Classification: Uncertain significance. Last evaluated: 2025-01-13. Review status: criteria provided, single submitter. Criteria: Invitae Variant Classification Sherloc (09022015). Collection method: clinical testing. Allele origin: germline.
Comment: This sequence change replaces leucine, which is neutral and non-polar, with valine, which is neutral and non-polar, at codon 457 of the ARMC9 protein (p.Leu457Val). This variant is not present in population databases (gnomAD no frequency). This variant has not been reported in the literature in individuals affected with ARMC9-related conditions. ClinVar contains an entry for this variant (Variation ID: 936422). Experimental studies and prediction algorithms are not available or were not evaluated, and the functional significance of this variant is currently unknown. In summary, the available evidence is currently insufficient to determine the role of this variant in disease. Therefore, it has been classified as a Variant of Uncertain Significance.